The following is an entry in ClinVar:

NM_006648.4(WNK2):c.4229C>T (p.Ala1410Val)

Gene: WNK2 (WNK lysine deficient protein kinase 2; plus strand). Cytogenetic location: 9q22.31.
Variant type: single nucleotide variant.
Coding change: c.4229C>T on transcript NM_006648.4 (MANE Select); coding-DNA position 4229, C replaced by T.
Protein change: p.Ala1410Val; replaces alanine 1410 with valine.
Molecular consequence: missense variant.
Genome position (GRCh38, 1-based): chr9:93,288,983, C>T. VCF-style: chr9-93288983-C-T. GRCh37 (hg19) VCF-style: chr9-96051265-C-T.
Other names: c.4340C>T, p.Ala1447Val (NM_001282394.3); short protein forms A1447V, A1410V.
Identifiers: ClinVar variation 4201648 (VCV004201648.1).
Genomic context (GRCh38, chr9:93,288,983, plus strand): 5'-CTGTGACTGCTCTGCCCCAAGATGGAGCAGCTCCAGCCACCAGCACCATGCCAGAGCCAG[C>T]GTCAGGAACTGCCAGCCAGGCAGGGGGTCCAGGGACACCTCAGGGGCTGACCAGTGAGCT-3'
Protein context (NP_006639.3, residues 1400-1420): APATSTMPEP[Ala1410Val]SGTASQAGGP

ClinVar aggregate classification (germline): Uncertain significance (1 of 4 stars; one submission).

gnomAD v4.1: 8 of 1,601,786 alleles (0.0005%); highest among the groups gnomAD compares: Admixed American, 0.0068%; no homozygotes.

Submission:

Ambry Genetics
Classification: Uncertain significance. Last evaluated: 2025-07-21. Review status: criteria provided, single submitter. Criteria: Ambry Variant Classification Scheme 2023. Collection method: clinical testing. Allele origin: germline.
Comment: The p.A1410V variant (also known as c.4229C>T), located in coding exon 19 of the WNK2 gene, results from a C to T substitution at nucleotide position 4229. The alanine at codon 1410 is replaced by valine, an amino acid with similar properties. This amino acid position is conserved. In addition, this alteration is predicted to be tolerated by in silico analysis. Based on the available evidence, the clinical significance of this variant remains unclear.